The following is an entry in ClinVar:

NM_001089.3(ABCA3):c.*312G>T

Gene: ABCA3 (ATP binding cassette subfamily A member 3; minus strand). Cytogenetic location: 16p13.3.
Variant type: single nucleotide variant.
Coding change: c.*312G>T on transcript NM_001089.3 (MANE Select); 312 bases downstream of the stop codon, G replaced by T.
Molecular consequence: 3 prime UTR variant.
Genome position (GRCh38, 1-based): chr16:2,276,362, C>A on the plus strand (G>T on the coding strand, the complement: ABCA3 is on the minus strand). VCF-style: chr16-2276362-C-A. GRCh37 (hg19) VCF-style: chr16-2326363-C-A.
Identifiers: ClinVar variation 318385 (VCV000318385.5), dbSNP rs79337915, ClinGen allele CA7839882.

ClinVar aggregate classification (germline): Benign (1 of 4 stars; one submission).

Conditions:
Interstitial lung disease due to ABCA3 deficiency. Also called: PULMONARY ALVEOLAR PROTEINOSIS, CONGENITAL, 3. Identifiers: Orphanet 440402, MedGen C1970456, MONDO:0012582, OMIM 610921.

Allele frequency attached by ClinVar (database versions not stated): gnomAD 0.00006 and 0.00007; gnomAD exomes 0.00009 and 0.00020; TOPMed 0.00015; 1000 Genomes Project 30x 0.00016; ExAC 0.00019; 1000 Genomes Project 0.00020.
gnomAD v4.1: 43 of 522,034 alleles (0.0082%); highest among the groups gnomAD compares: East Asian, 0.21%; no homozygotes.

Submission:

Illumina Laboratory Services, Illumina
Classification: Benign for Interstitial lung disease due to ABCA3 deficiency. Last evaluated: 2018-01-13. Review status: criteria provided, single submitter. Criteria: ICSL Variant Classification Criteria 13 December 2019. Collection method: clinical testing. Allele origin: germline.
Comment: This variant was observed in the ICSL laboratory as part of a predisposition screen in an ostensibly healthy population. It had not been previously curated by ICSL or reported in the Human Gene Mutation Database (HGMD: prior to June 1st, 2018), and was therefore a candidate for classification through an automated scoring system. Utilizing variant allele frequency, disease prevalence and penetrance estimates, and inheritance mode, an automated score was calculated to assess if this variant is too frequent to cause the disease. Based on the score and internal cut-off values, a variant classified as benign is not then subjected to further curation. The score for this variant resulted in a classification of benign for this disease.